The following is an entry in ClinVar:

ClinVar aggregate classification (germline): Uncertain significance (1 of 4 stars; one submission).

Allele frequency attached by ClinVar (database versions not stated): gnomAD exomes 0.00001; ExAC 0.00004.
gnomAD v4.1: 12 of 1,614,228 alleles (0.00074%); highest among the groups gnomAD compares: Non-Finnish European, 0.00093%; no homozygotes.

Submission:

Labcorp Genetics (formerly Invitae), Labcorp
Classification: Uncertain significance. Last evaluated: 2025-10-03. Review status: criteria provided, single submitter. Criteria: Invitae Variant Classification Sherloc (09022015). Collection method: clinical testing. Allele origin: germline.
Comment: This sequence change replaces leucine, which is neutral and non-polar, with valine, which is neutral and non-polar, at codon 625 of the EIF2B5 protein (p.Leu625Val). This variant is present in population databases (rs777112655, gnomAD 0.004%). This variant has not been reported in the literature in individuals affected with EIF2B5-related conditions. ClinVar contains an entry for this variant (Variation ID: 2191824). Invitae Evidence Modeling of protein sequence and biophysical properties (such as structural, functional, and spatial information, amino acid conservation, physicochemical variation, residue mobility, and thermodynamic stability) indicates that this missense variant is not expected to disrupt EIF2B5 protein function with a negative predictive value of 80%. In summary, the available evidence is currently insufficient to determine the role of this variant in disease. Therefore, it has been classified as a Variant of Uncertain Significance.

NM_003907.3(EIF2B5):c.1873C>G (p.Leu625Val)

Gene: EIF2B5 (eukaryotic translation initiation factor 2B subunit epsilon; plus strand). Cytogenetic location: 3q27.1.
Variant type: single nucleotide variant.
Coding change: c.1873C>G on transcript NM_003907.3 (MANE Select); coding-DNA position 1873, C replaced by G.
Protein change: p.Leu625Val; replaces leucine 625 with valine.
Molecular consequence: missense variant.
Genome position (GRCh38, 1-based): chr3:184,144,102, C>G. VCF-style: chr3-184144102-C-G. GRCh37 (hg19) VCF-style: chr3-183861890-C-G.
Other names: short protein forms L625V.
Identifiers: ClinVar variation 2191824 (VCV002191824.2), dbSNP rs777112655, ClinGen allele CA2726839.
Genomic context (GRCh38, chr3:184,144,102, plus strand): 5'-GTCCAGGTATAGGTGAATGCTTAGGAATATACTGCAGCTCCCTTCTTTCTTCCATAGCTG[C>G]TAAAGGCCTGGAGCCCTGTTTTTAGGAACTACATAAAGCGCGCAGCCGACCATTTGGAAG-3'
Protein context (NP_003898.2, residues 615-635): SRYCALLLPL[Leu625Val]KAWSPVFRNY